The following is an entry in ClinVar:

NM_001243133.2(NLRP3):c.602T>G (p.Ile201Ser)

Gene: NLRP3 (NLR family pyrin domain containing 3; plus strand). Cytogenetic location: 1q44.
Variant type: single nucleotide variant.
Coding change: c.602T>G on transcript NM_001243133.2 (MANE Select); coding-DNA position 602, T replaced by G.
Protein change: p.Ile201Ser; replaces isoleucine 201 with serine.
Molecular consequence: missense variant.
Genome position (GRCh38, 1-based): chr1:247,424,051, T>G. VCF-style: chr1-247424051-T-G. GRCh37 (hg19) VCF-style: chr1-247587353-T-G.
Other names: c.602T>G, p.Ile201Ser (NM_001079821.3, NM_001127461.3, NM_001127462.3 and 1 more transcripts); c.608T>G, p.Ile203Ser (NM_004895.5); short protein forms I201S, I203S.
Identifiers: ClinVar variation 4800138 (VCV004800138.1).

ClinVar aggregate classification (germline): Uncertain significance (1 of 4 stars; one submission).

Conditions:
Cryopyrin associated periodic syndrome (CAPS). Identifiers: Orphanet 208650, MedGen C2316212, MONDO:0016168.

Submission:

Labcorp Genetics (formerly Invitae), Labcorp
Classification: Uncertain significance for Cryopyrin associated periodic syndrome. Last evaluated: 2025-03-07. Review status: criteria provided, single submitter. Criteria: Invitae Variant Classification Sherloc (09022015). Collection method: clinical testing. Allele origin: germline.
Comment: This sequence change replaces isoleucine, which is neutral and non-polar, with serine, which is neutral and polar, at codon 203 of the NLRP3 protein (p.Ile203Ser). This variant is not present in population databases (gnomAD no frequency). This variant has not been reported in the literature in individuals affected with NLRP3-related conditions. Invitae Evidence Modeling of protein sequence and biophysical properties (such as structural, functional, and spatial information, amino acid conservation, physicochemical variation, residue mobility, and thermodynamic stability) has been performed for this missense variant. However, the output from this modeling did not meet the statistical confidence thresholds required to predict the impact of this variant on NLRP3 protein function. In summary, the available evidence is currently insufficient to determine the role of this variant in disease. Therefore, it has been classified as a Variant of Uncertain Significance.